The following is an entry in ClinVar:

NM_014476.6(PDLIM3):c.573T>A (p.Asn191Lys)

Gene: PDLIM3 (PDZ and LIM domain 3; minus strand). Cytogenetic location: 4q35.1.
Variant type: single nucleotide variant.
Coding change: c.573T>A on transcript NM_014476.6 (MANE Select); coding-DNA position 573, T replaced by A.
Protein change: p.Asn191Lys; replaces asparagine 191 with lysine.
Molecular consequence: missense variant. On other transcripts: intron variant (3).
Genome position (GRCh38, 1-based): chr4:185,508,388, A>T on the plus strand (T>A on the coding strand, the complement: PDLIM3 is on the minus strand). VCF-style: chr4-185508388-A-T. GRCh37 (hg19) VCF-style: chr4-186429542-A-T.
Other names: p.N191K:AAT>AAA; c.162-1736T>A (NM_001257963.2); c.399-1736T>A (NM_001257962.2); c.519-1736T>A (NM_001114107.5); short protein forms N191K.
Identifiers: ClinVar variation 201952 (VCV000201952.2), dbSNP rs794729096, ClinGen allele CA335483.
Genomic context (GRCh38, chr4:185,508,388, plus strand): 5'-TGAAACCTGACCCTGGAGTGTTTCCATAATATTGTCATCTGAGTACAACTGCATAGGTGT[A>T]TTAAACTGAGCATGTACAATCTTCACACCAGGAAGTTCCATTTCCAAAGGAATGTTAGGG-3'
Protein context (NP_055291.2, residues 181-201): PGVKIVHAQF[Asn191Lys]TPMQLYSDDN

ClinVar aggregate classification (germline): Uncertain significance (1 of 4 stars; one submission).

gnomAD v4.1: 3 of 1,614,146 alleles (0.00019%); highest among the groups gnomAD compares: South Asian, 0.0011%; no homozygotes.

Submission:

GeneDx
Classification: Uncertain significance. Last evaluated: 2014-03-14. Review status: criteria provided, single submitter. Criteria: GeneDx Variant Classification (06012015). Collection method: clinical testing. Allele origin: germline. Affected: yes.
Comment: p.Asn191Lys (AAT>AAA): c.573 T>A in exon 5 of the PDLIM3 gene (NM_014476.5). A variant of unknown significance has been identified in the PDLIM3 gene. The N191K variant has not been published as a mutation, nor has it been reported as a benign polymorphism to our knowledge. The N191K variant was not observed in approximately 6500 individuals of European and African American ancestry in the NHLBI Exome Sequencing Project, indicating it is not a common benign variant in these populations. The N191K variant is a semi-conservative amino acid substitution, which may impact secondary protein structure as these residues differ in some properties. This substitution occurs at a position that is conserved across species. In silico analysis predicts this variant is probably damaging to the protein structure/function. However, missense mutations in nearby residues have not been reported, indicating this region of the protein may tolerate change. Therefore, based on the currently available information, it is unclear whether this variant is a pathogenic mutation or a rare benign variant. The variant is found in CARDIOMYOPATHY panel(s).